The following is an entry in ClinVar:

NM_198253.3(TERT):c.915G>A (p.Ala305=)

Gene: TERT (telomerase reverse transcriptase; minus strand). Cytogenetic location: 5p15.33.
Variant type: single nucleotide variant.
Coding change: c.915G>A on transcript NM_198253.3 (MANE Select); coding-DNA position 915, G replaced by A.
Protein change: p.Ala305=; no amino-acid change (alanine 305 retained).
Molecular consequence: synonymous variant. On other transcripts: non-coding transcript variant (2).
Genome position (GRCh38, 1-based): chr5:1,293,971, C>T on the plus strand (G>A on the coding strand, the complement: TERT is on the minus strand). VCF-style: chr5-1293971-C-T. GRCh37 (hg19) VCF-style: chr5-1294086-C-T.
Other names: p.Ala305=; c.915G>A, p.Ala305= (NM_001193376.3).
Identifiers: ClinVar variation 39126 (VCV000039126.49), dbSNP rs2736098, ClinGen allele CA170792.

ClinVar aggregate classification (germline): Benign/Likely benign. Review status: criteria provided, multiple submitters, no conflicts (2 of 4 stars). 23 submissions from 19 submitters: Benign (18); Likely benign (1). 4 of the submissions do not count toward it. Last evaluated 2026-02-04.

Conditions:
Dyskeratosis congenita, autosomal dominant 2. Identifiers: MedGen C3151443, MONDO:0013521, OMIM 613989.
Idiopathic Pulmonary Fibrosis. Also called: Idiopathic fibrosing alveolitis, chronic form; idiopathic fibrosing alveolitis. Identifiers: Orphanet 2032, MedGen C1800706, MeSH D054990, MONDO:0800504.
Pulmonary fibrosis and/or bone marrow failure, Telomere-related, 1. Also called: PULMONARY FIBROSIS AND/OR BONE MARROW FAILURE SYNDROME, TELOMERE-RELATED, 1. Identifiers: Orphanet 88, MedGen C3553617, MONDO:0013878, OMIM 614742.
Aplastic anemia. Identifiers: Orphanet 182040, Orphanet 88, MedGen C0002874, MONDO:0015909, OMIM 609135, HP:0001915.
Interstitial lung disease 2 (ILD2). Also called: FIBROCYSTIC PULMONARY DYSPLASIA; FIBROSING ALVEOLITIS, CRYPTOGENIC; Familial idiopathic pulmonary fibrosis. Identifiers: Orphanet 2032, Orphanet 79126, MedGen C5561926, MONDO:0800497, OMIM 178500, MONDO:0800029.
Dyskeratosis congenita, autosomal dominant 1 (DKCA1). Also called: Dyskeratosis congenita Scoggins type. Identifiers: Orphanet 1775, MedGen C4551974, MONDO:0007485, OMIM 127550. Inheritance: Variable.
Melanoma, cutaneous malignant, susceptibility to, 9. Also called: Cutaneous malignant melanoma 9. Identifiers: Orphanet 618, MedGen C3554574, MONDO:0014056, OMIM 615134.
Acute myeloid leukemia (AML). Also called: Acute myeloid leukemia, adult; AML adult; Acute non-lymphocytic leukemia; Acute granulocytic leukemia; Leukemia, acute myeloid, somatic; Leukemia, acute myelogenous, somatic. Identifiers: Orphanet 519, MedGen C0023467, MeSH D015470, MONDO:0018874, OMIM 601626, HP:0004808. Disease mechanism: Constitutively activated FLT3.
Dyskeratosis congenita. Identifiers: Orphanet 1775, MedGen C0265965, MONDO:0015780.

Allele frequency attached by ClinVar (database versions not stated): ESP Exome Variant Server 0.20753; TOPMed 0.21445; 1000 Genomes Project 0.26558; gnomAD 0.21206 and 0.22202; 1000 Genomes Project 30x 0.25687; gnomAD exomes 0.28677; ExAC 0.40447.
gnomAD v4.1: 428,653 of 1,558,002 alleles (28%); highest among the groups gnomAD compares: South Asian, 48%; 62,465 homozygotes.

Submissions (23):

Labcorp Genetics (formerly Invitae), Labcorp
Classification: Benign for Dyskeratosis congenita, autosomal dominant 2; Idiopathic Pulmonary Fibrosis. Last evaluated: 2026-02-04. Review status: criteria provided, single submitter. Criteria: Invitae Variant Classification Sherloc (09022015). Collection method: clinical testing. Allele origin: germline.

ARUP Laboratories, Molecular Genetics and Genomics, ARUP Laboratories
Classification: Benign. Last evaluated: 2025-07-28. Review status: criteria provided, single submitter. Criteria: ARUP Molecular Germline Variant Investigation Process 2024. Collection method: clinical testing. Allele origin: germline.

KCCC/NGS Laboratory, Kuwait Cancer Control Center
Classification: Benign for Melanoma, cutaneous malignant, susceptibility to, 9. Last evaluated: 2025-02-01. Review status: criteria provided, single submitter. Criteria: ACMG Guidelines, 2015. Collection method: clinical testing. Allele origin: germline. Affected: no.

Blueprint Genetics
Classification: Likely benign. Last evaluated: 2024-11-26. Review status: criteria provided, single submitter. Criteria: ACMG Guidelines, 2015. Collection method: clinical testing. Allele origin: germline.

Unidad de Genómica Garrahan, Hospital de Pediatría Garrahan
Classification: Benign. Last evaluated: 2024-01-24. Review status: criteria provided, single submitter. Criteria: ACMG Guidelines, 2015. Collection method: clinical testing. Allele origin: germline. Affected: no. Observed: 24 variant alleles.
Comment: This variant is classified as Benign based on local population frequency. This variant was detected in 25% of patients studied by a panel of primary immunodeficiencies. Number of patients: 24. Only high quality variants are reported.

KCCC/NGS Laboratory, Kuwait Cancer Control Center
Classification: Benign for Acute myeloid leukemia. Last evaluated: 2023-07-07. Review status: criteria provided, single submitter. Criteria: ACMG Guidelines, 2015. Collection method: clinical testing. Allele origin: germline. Affected: yes.

Fulgent Genetics
Classification: Benign for Dyskeratosis congenita, autosomal dominant 1; Interstitial lung disease 2; Acute myeloid leukemia; Aplastic anemia; Dyskeratosis congenita, autosomal dominant 2; Pulmonary fibrosis and/or bone marrow failure, Telomere-related, 1; Melanoma, cutaneous malignant, susceptibility to, 9. Last evaluated: 2022-01-28. Review status: criteria provided, single submitter. Criteria: ACMG Guidelines, 2015. Collection method: clinical testing. Allele origin: unknown.

Genome-Nilou Lab
Classification: Benign for Dyskeratosis congenita, autosomal dominant 2. Last evaluated: 2021-07-14. Review status: criteria provided, single submitter. Criteria: ACMG Guidelines, 2015. Collection method: clinical testing. Allele origin: germline. Affected: no.

Genome-Nilou Lab
Classification: Benign for Pulmonary fibrosis and/or bone marrow failure, Telomere-related, 1. Last evaluated: 2021-07-14. Review status: criteria provided, single submitter. Criteria: ACMG Guidelines, 2015. Collection method: clinical testing. Allele origin: germline. Affected: no.

Illumina Laboratory Services, Illumina
Classification: Benign for Pulmonary fibrosis and/or bone marrow failure, Telomere-related, 1. Last evaluated: 2018-01-13. Review status: criteria provided, single submitter. Criteria: ICSL Variant Classification Criteria 13 December 2019. Collection method: clinical testing. Allele origin: germline.
Comment: This variant was observed in the ICSL laboratory as part of a predisposition screen in an ostensibly healthy population. It had not been previously curated by ICSL or reported in the Human Gene Mutation Database (HGMD: prior to June 1st, 2018), and was therefore a candidate for classification through an automated scoring system. Utilizing variant allele frequency, disease prevalence and penetrance estimates, and inheritance mode, an automated score was calculated to assess if this variant is too frequent to cause the disease. Based on the score and internal cut-off values, a variant classified as benign is not then subjected to further curation. The score for this variant resulted in a classification of benign for this disease.

Illumina Laboratory Services, Illumina
Classification: Benign for Dyskeratosis congenita, autosomal dominant 2. Last evaluated: 2018-01-13. Review status: criteria provided, single submitter. Criteria: ICSL Variant Classification Criteria 13 December 2019. Collection method: clinical testing. Allele origin: germline.
Comment: the same text as in the submission from Illumina Laboratory Services, Illumina above.

Illumina Laboratory Services, Illumina
Classification: Benign for Aplastic anemia. Last evaluated: 2018-01-13. Review status: criteria provided, single submitter. Criteria: ICSL Variant Classification Criteria 13 December 2019. Collection method: clinical testing. Allele origin: germline.
Comment: the same text as in the submission from Illumina Laboratory Services, Illumina above.

Mayo Clinic Laboratories, Mayo Clinic
Classification: Benign. Last evaluated: 2016-09-21. Review status: criteria provided, single submitter. Criteria: ACMG Guidelines, 2015. Collection method: clinical testing. Allele origin: germline. Observed: 312 variant alleles.

Eurofins Ntd Llc (ga)
Classification: Benign. Last evaluated: 2016-04-01. Review status: criteria provided, single submitter. Criteria: EGL Classification Definitions 2015. Collection method: clinical testing. Allele origin: germline. Observed: 6 variant alleles, 6 heterozygotes.

GeneDx
Classification: Benign. Last evaluated: 2015-03-03. Review status: criteria provided, single submitter. Criteria: GeneDx Variant Classification Process June 2021. Collection method: clinical testing. Allele origin: germline. Affected: yes.

Ambry Genetics
Classification: Benign for Dyskeratosis congenita. Last evaluated: 2014-12-24. Review status: criteria provided, single submitter. Criteria: Ambry Variant Classification Scheme 2023. Collection method: clinical testing. Allele origin: germline.

Laboratory for Molecular Medicine, Mass General Brigham Personalized Medicine
Classification: Benign. Last evaluated: 2013-02-21. Review status: criteria provided, single submitter. Criteria: LMM Criteria. Collection method: clinical testing. Allele origin: germline. Observed: 57 variant alleles.
Comment: Ala305Ala in exon 2 of TERT: This variant is not expected to have clinical signi ficance because it does not alter an amino acid residue and is not located withi n the splice consensus sequence. It has been identified in 26.0% (2202/8480) of European American chromosomes from a broad population by the NHLBI Exome Sequenc ing Project (dbSNP rs2736098).

Breakthrough Genomics
Classification: Benign. Review status: criteria provided, single submitter. Criteria: ACMG Guidelines, 2015. Collection method: not provided. Allele origin: germline. Inheritance: Autosomal dominant inheritance. Affected: yes.

PreventionGenetics, part of Exact Sciences
Classification: Benign. Review status: criteria provided, single submitter. Criteria: ACMG Guidelines, 2015. Collection method: clinical testing. Allele origin: germline.

Diagnostic Laboratory, Department of Genetics, University Medical Center Groningen
Classification: Benign. Review status: no assertion criteria provided. Collection method: clinical testing. Allele origin: germline. Affected: yes. Study: VKGL Data-share Consensus. Not counted in ClinVar's aggregate classification.

GeneReviews
No classification provided. Condition: Dyskeratosis congenita, autosomal dominant 1. Review status: no classification provided. Collection method: literature only. Allele origin: unknown. Not counted in ClinVar's aggregate classification.

Joint Genome Diagnostic Labs from Nijmegen and Maastricht, Radboudumc and MUMC+
Classification: Benign. Review status: no assertion criteria provided. Collection method: clinical testing. Allele origin: germline. Affected: yes. Study: VKGL Data-share Consensus. Not counted in ClinVar's aggregate classification.

Radiation Cancer Biology Lab, University of Rajasthan Jaipur
No classification provided. Condition: Aplastic anemia. Review status: no classification provided. Collection method: not provided. Allele origin: somatic. Not counted in ClinVar's aggregate classification.

Literature cited by the submitters: PubMed 20301779 (cited by GeneReviews); NCBI Bookshelf NBK22301 (cited by GeneReviews).